The following is an entry in ClinVar:

NM_003900.5(SQSTM1):c.1276G>A (p.Ala426Thr)

Gene: SQSTM1 (sequestosome 1; plus strand). Cytogenetic location: 5q35.3.
Variant type: single nucleotide variant.
Coding change: c.1276G>A on transcript NM_003900.5 (MANE Select); coding-DNA position 1276, G replaced by A.
Protein change: p.Ala426Thr; replaces alanine 426 with threonine.
Molecular consequence: missense variant.
Genome position (GRCh38, 1-based): chr5:179,836,546, G>A. VCF-style: chr5-179836546-G-A. GRCh37 (hg19) VCF-style: chr5-179263546-G-A.
Other names: c.1024G>A, p.Ala342Thr (NM_001142298.2, NM_001142299.2); short protein forms A426T, A342T.
Identifiers: ClinVar variation 1436054 (VCV001436054.8), dbSNP rs2113524491, ClinGen allele CA362454281.

ClinVar aggregate classification (germline): Uncertain significance (1 of 4 stars; one submission).

Conditions:
Paget disease of bone 2, early-onset (PDB2). Also called: Paget disease of bone 2. Identifiers: MedGen C4085251, MONDO:0011183, OMIM 602080.
Frontotemporal dementia and/or amyotrophic lateral sclerosis 1 (FTDALS1). Also called: C9orf72 Frontotemporal Dementia and/or Amyotrophic Lateral Sclerosis; Frontotemporal dementia with motor neuron disease 1. Identifiers: Orphanet 275872, MedGen C5779877, MONDO:0007105, OMIM 105550.

Submission:

Labcorp Genetics (formerly Invitae), Labcorp
Classification: Uncertain significance for Paget disease of bone 2, early-onset; Frontotemporal dementia and/or amyotrophic lateral sclerosis 1. Last evaluated: 2021-05-19. Review status: criteria provided, single submitter. Criteria: Invitae Variant Classification Sherloc (09022015). Collection method: clinical testing. Allele origin: germline.
Comment: Algorithms developed to predict the effect of missense changes on protein structure and function are either unavailable or do not agree on the potential impact of this missense change (SIFT: "Tolerated"; PolyPhen-2: "Possibly Damaging"; Align-GVGD: "Class C0"). In summary, the available evidence is currently insufficient to determine the role of this variant in disease. Therefore, it has been classified as a Variant of Uncertain Significance. This variant has not been reported in the literature in individuals with SQSTM1-related conditions. This variant is not present in population databases (ExAC no frequency). This sequence change replaces alanine with threonine at codon 426 of the SQSTM1 protein (p.Ala426Thr). The alanine residue is moderately conserved and there is a small physicochemical difference between alanine and threonine.